The following is an entry in ClinVar:

NM_006164.5(NFE2L2):c.7G>A (p.Asp3Asn)

Genes: NFE2L2 (NFE2 like bZIP transcription factor 2; minus strand), LOC129935169 (ATAC-STARR-seq lymphoblastoid silent region 12145; plus strand). Cytogenetic location: 2q31.2.
Variant type: single nucleotide variant.
Coding change: c.7G>A on transcript NM_006164.5 (MANE Select); coding-DNA position 7, G replaced by A.
Protein change: p.Asp3Asn; replaces aspartic acid 3 with asparagine.
Molecular consequence: missense variant.
Genome position (GRCh38, 1-based): chr2:177,264,570, C>T on the plus strand (G>A on the coding strand, the complement: NFE2L2 is on the minus strand). VCF-style: chr2-177264570-C-T. GRCh37 (hg19) VCF-style: chr2-178129298-C-T.
Other names: c.7G>A, p.Asp3Asn (NM_001313902.2, NM_001313903.2); short protein forms D3N.
Identifiers: ClinVar variation 1469366 (VCV001469366.8), dbSNP rs1690868838, ClinGen allele CA349389858.

ClinVar aggregate classification (germline): Uncertain significance (1 of 4 stars; one submission).

Submission:

Labcorp Genetics (formerly Invitae), Labcorp
Classification: Uncertain significance. Last evaluated: 2021-04-27. Review status: criteria provided, single submitter. Criteria: Invitae Variant Classification Sherloc (09022015). Collection method: clinical testing. Allele origin: germline.
Comment: In summary, the available evidence is currently insufficient to determine the role of this variant in disease. Therefore, it has been classified as a Variant of Uncertain Significance. Algorithms developed to predict the effect of missense changes on protein structure and function (SIFT, PolyPhen-2, Align-GVGD) all suggest that this variant is likely to be tolerated, but these predictions have not been confirmed by published functional studies and their clinical significance is uncertain. This variant has not been reported in the literature in individuals with NFE2L2-related conditions. The frequency data for this variant in the population databases is considered unreliable, as metrics indicate insufficient coverage at this position in the ExAC database. This sequence change replaces aspartic acid with asparagine at codon 3 of the NFE2L2 protein (p.Asp3Asn). The aspartic acid residue is weakly conserved and there is a small physicochemical difference between aspartic acid and asparagine.